The following is an entry in ClinVar:

NM_001379081.2(FREM1):c.6104G>A (p.Gly2035Glu)

Gene: FREM1 (FRAS1 related extracellular matrix 1; minus strand). Cytogenetic location: 9p22.3.
Variant type: single nucleotide variant.
Coding change: c.6104G>A on transcript NM_001379081.2 (MANE Select); coding-DNA position 6104, G replaced by A.
Protein change: p.Gly2035Glu; replaces glycine 2035 with glutamic acid.
Molecular consequence: missense variant. On other transcripts: non-coding transcript variant (3).
Genome position (GRCh38, 1-based): chr9:14,746,957, C>T on the plus strand (G>A on the coding strand, the complement: FREM1 is on the minus strand). VCF-style: chr9-14746957-C-T. GRCh37 (hg19) VCF-style: chr9-14746955-C-T.
Other names: c.1712G>A, p.Gly571Glu (NM_001177704.3, NM_001370061.2); c.1562G>A, p.Gly521Glu (NM_001370058.2); c.6104G>A, p.Gly2035Glu (NM_144966.7); short protein forms G2035E, G521E, G571E.
Identifiers: ClinVar variation 366105 (VCV000366105.13), dbSNP rs771531342, ClinGen allele CA4989561.

ClinVar aggregate classification (germline): Uncertain significance. Review status: criteria provided, multiple submitters, no conflicts (2 of 4 stars). 6 submissions from 6 submitters: Uncertain significance (6). Last evaluated 2025-08-07.

Conditions:
Inborn genetic diseases. Identifiers: MedGen C0950123, MeSH D030342.
Trigonocephaly 2 (TRIGNO2). Identifiers: Orphanet 3366, MedGen C3280974, MONDO:0013774, OMIM 614485.
BNAR syndrome. Also called: Bifid Nose With or Without Anorectal and Renal Anomalies (BNAR) Syndrome. Identifiers: Orphanet 217266, MedGen C2750433, MONDO:0012165, OMIM 608980.
Oculotrichoanal syndrome (MOTA). Also called: Manitoba Oculotrichoanal (MOTA) Syndrome; MARLES SYNDROME. Identifiers: Orphanet 2717, MedGen C1855425, MONDO:0009560, OMIM 248450.
FREM1-related disorder. Also called: FREM1-related condition; FREM1-Related Disorders.

Allele frequency attached by ClinVar (database versions not stated): ExAC 0.00003; gnomAD 0.00003 and 0.00004; gnomAD exomes 0.00004 and 0.00005; TOPMed 0.00004.
gnomAD v4.1: 63 of 1,613,232 alleles (0.0039%); highest among the groups gnomAD compares: Non-Finnish European, 0.0053%; no homozygotes.

Submissions (6):

PreventionGenetics, part of Exact Sciences
Classification: Uncertain significance for FREM1-related condition. Last evaluated: 2025-08-07. Review status: criteria provided, single submitter. Criteria: ACMG Guidelines, 2015. Collection method: clinical testing. Allele origin: germline.
Comment: The FREM1 c.6104G>A variant is predicted to result in the amino acid substitution p.Gly2035Glu. To our knowledge, this variant has not been reported in the literature. This variant is reported in 0.010% of alleles in individuals of European (Non-Finnish) descent in gnomAD. At this time, the clinical significance of this variant is uncertain due to the absence of conclusive functional and genetic evidence.

Blueprint Genetics
Classification: Uncertain significance. Last evaluated: 2024-11-12. Review status: criteria provided, single submitter. Criteria: ACMG Guidelines, 2015. Collection method: clinical testing. Allele origin: germline.

Labcorp Genetics (formerly Invitae), Labcorp
Classification: Uncertain significance. Last evaluated: 2024-11-11. Review status: criteria provided, single submitter. Criteria: Invitae Variant Classification Sherloc (09022015). Collection method: clinical testing. Allele origin: germline.
Comment: This sequence change replaces glycine, which is neutral and non-polar, with glutamic acid, which is acidic and polar, at codon 2035 of the FREM1 protein (p.Gly2035Glu). This variant is present in population databases (rs771531342, gnomAD 0.01%). This variant has not been reported in the literature in individuals affected with FREM1-related conditions. ClinVar contains an entry for this variant (Variation ID: 366105). An algorithm developed to predict the effect of missense changes on protein structure and function (PolyPhen-2) suggests that this variant is likely to be disruptive. In summary, the available evidence is currently insufficient to determine the role of this variant in disease. Therefore, it has been classified as a Variant of Uncertain Significance.

Ambry Genetics
Classification: Uncertain significance for Inborn genetic diseases. Last evaluated: 2023-09-22. Review status: criteria provided, single submitter. Criteria: Ambry Variant Classification Scheme 2023. Collection method: clinical testing. Allele origin: germline.

Fulgent Genetics
Classification: Uncertain significance for Oculotrichoanal syndrome; BNAR syndrome; Trigonocephaly 2. Last evaluated: 2022-04-12. Review status: criteria provided, single submitter. Criteria: ACMG Guidelines, 2015. Collection method: clinical testing. Allele origin: unknown.

Illumina Laboratory Services, Illumina
Classification: Uncertain significance for Oculotrichoanal syndrome. Last evaluated: 2018-01-13. Review status: criteria provided, single submitter. Criteria: ICSL Variant Classification Criteria 13 December 2019. Collection method: clinical testing. Allele origin: germline.